The following is an entry in ClinVar:

ClinVar aggregate classification (germline): Uncertain significance (1 of 4 stars; one submission).

Submission:

Labcorp Genetics (formerly Invitae), Labcorp
Classification: Uncertain significance. Last evaluated: 2022-10-18. Review status: criteria provided, single submitter. Criteria: Invitae Variant Classification Sherloc (09022015). Collection method: clinical testing. Allele origin: germline.
Comment: This sequence change replaces methionine, which is neutral and non-polar, with isoleucine, which is neutral and non-polar, at codon 624 of the IL12RB2 protein (p.Met624Ile). This variant is not present in population databases (gnomAD no frequency). This variant has not been reported in the literature in individuals affected with IL12RB2-related conditions. ClinVar contains an entry for this variant (Variation ID: 1485001). Algorithms developed to predict the effect of missense changes on protein structure and function (SIFT, PolyPhen-2, Align-GVGD) all suggest that this variant is likely to be tolerated. Algorithms developed to predict the effect of sequence changes on RNA splicing suggest that this variant may disrupt the consensus splice site. In summary, the available evidence is currently insufficient to determine the role of this variant in disease. Therefore, it has been classified as a Variant of Uncertain Significance.

NM_001374259.2(IL12RB2):c.1872G>A (p.Met624Ile)

Gene: IL12RB2 (interleukin 12 receptor subunit beta 2; plus strand). Cytogenetic location: 1p31.3.
Variant type: single nucleotide variant.
Coding change: c.1872G>A on transcript NM_001374259.2 (MANE Select); coding-DNA position 1872, G replaced by A.
Protein change: p.Met624Ile; replaces methionine 624 with isoleucine.
Molecular consequence: missense variant. On other transcripts: non-coding transcript variant (1), intron variant (1).
Genome position (GRCh38, 1-based): chr1:67,386,595, G>A. VCF-style: chr1-67386595-G-A. GRCh37 (hg19) VCF-style: chr1-67852278-G-A.
Other names: c.1872G>A, p.Met624Ile (NM_001258214.1, NM_001319233.1, NM_001559.3); c.1614G>A, p.Met538Ile (NM_001258215.1); c.1855+6472G>A (NM_001258216.1); short protein forms M538I, M624I.
Identifiers: ClinVar variation 1485001 (VCV001485001.6), dbSNP rs2100226770, ClinGen allele CA340733029.